The following is an entry in ClinVar:

ClinVar aggregate classification (germline): other (0 of 4 stars; one submission).

Conditions:
Familial colorectal cancer. Identifiers: MedGen CN280943, MONDO:0023113. Disease mechanism: loss of function.

Submission:

Systems Biology Platform Zhejiang California International NanoSystems Institute
Classification: other for Familial colorectal cancer. Review status: no assertion criteria provided. Collection method: not provided. Allele origin: unknown.
ClinVar note: Converted during submission from cancer to other.

NM_000038.6(APC):c.5515G>T (p.Ala1839Ser)

Gene: APC (APC regulator of WNT signaling pathway; plus strand). Cytogenetic location: 5q22.2.
Variant type: single nucleotide variant.
Coding change: c.5515G>T on transcript NM_000038.6 (MANE Select); coding-DNA position 5515, G replaced by T.
Protein change: p.Ala1839Ser; replaces alanine 1839 with serine.
Molecular consequence: missense variant.
Genome position (GRCh38, 1-based): chr5:112,841,109, G>T. VCF-style: chr5-112841109-G-T. GRCh37 (hg19) VCF-style: chr5-112176806-G-T.
Other names: c.5515G>T, p.Ala1839Ser (NM_001127510.3, NM_001354895.2); c.5461G>T, p.Ala1821Ser (NM_001127511.3); c.5569G>T, p.Ala1857Ser (NM_001354896.2); c.5545G>T, p.Ala1849Ser (NM_001354897.2); c.5440G>T, p.Ala1814Ser (NM_001354898.2); c.5431G>T, p.Ala1811Ser (NM_001354899.2); c.5392G>T, p.Ala1798Ser (NM_001354900.2); c.5338G>T, p.Ala1780Ser (NM_001354901.2); and 5 more; short protein forms A1821S, A1839S, A1811S, A1780S, A1814S, A1849S, A1556S, A1748S.
Identifiers: ClinVar variation 83245 (VCV000083245.2), dbSNP rs75236689, ClinGen allele CA010472.